The following is an entry in ClinVar:

NM_006361.6(HOXB13):c.602-2A>C

Gene: HOXB13 (homeobox B13; minus strand). Cytogenetic location: 17q21.32.
Variant type: single nucleotide variant.
Coding change: c.602-2A>C on transcript NM_006361.6 (MANE Select); the canonical splice acceptor site of the intron before coding-DNA position 602, A replaced by C.
Molecular consequence: splice acceptor variant.
Genome position (GRCh38, 1-based): chr17:48,727,045, T>G on the plus strand (A>C on the coding strand, the complement: HOXB13 is on the minus strand). VCF-style: chr17-48727045-T-G. GRCh37 (hg19) VCF-style: chr17-46804407-T-G.
Identifiers: ClinVar variation 3670441 (VCV003670441.2).

ClinVar aggregate classification (germline): Uncertain significance (1 of 4 stars; one submission).

Submission:

Labcorp Genetics (formerly Invitae), Labcorp
Classification: Uncertain significance. Last evaluated: 2024-06-21. Review status: criteria provided, single submitter. Criteria: Invitae Variant Classification Sherloc (09022015). Collection method: clinical testing. Allele origin: germline.
Comment: This sequence change falls in intron 1 of the HOXB13 gene. It does not directly change the encoded amino acid sequence of the HOXB13 protein. It affects a nucleotide within the consensus splice site. This variant is not present in population databases (gnomAD no frequency). This variant has not been reported in the literature in individuals affected with HOXB13-related conditions. Variants that disrupt the consensus splice site are a relatively common cause of aberrant splicing (PMID: 17576681, 9536098). Algorithms developed to predict the effect of sequence changes on RNA splicing suggest that this variant may disrupt the consensus splice site. In summary, the available evidence is currently insufficient to determine the role of this variant in disease. Therefore, it has been classified as a Variant of Uncertain Significance.

Literature cited by the submitters: PubMed 17576681; PubMed 9536098.